The following is an entry in ClinVar:

ClinVar aggregate classification (germline): Uncertain significance (1 of 4 stars; one submission).

gnomAD v4.1: 2 of 1,613,750 alleles (0.00012%); highest among the groups gnomAD compares: Non-Finnish European, 0.00017%; no homozygotes.

Submission:

CeGaT Center for Human Genetics Tuebingen
Classification: Uncertain significance. Last evaluated: 2024-05-01. Review status: criteria provided, single submitter. Criteria: CeGaT Center For Human Genetics Tuebingen Variant Classification Criteria Version 2. Collection method: clinical testing. Allele origin: germline. Affected: yes. Observed: 1 variant allele.
Comment: GNB1: PM2, PP2, PS2:Supporting

NM_002074.5(GNB1):c.767G>A (p.Arg256His)

Gene: GNB1 (G protein subunit beta 1; minus strand). Cytogenetic location: 1p36.33.
Variant type: single nucleotide variant.
Coding change: c.767G>A on transcript NM_002074.5 (MANE Select); coding-DNA position 767, G replaced by A.
Protein change: p.Arg256His; replaces arginine 256 with histidine.
Molecular consequence: missense variant.
Genome position (GRCh38, 1-based): chr1:1,789,202, C>T on the plus strand (G>A on the coding strand, the complement: GNB1 is on the minus strand). VCF-style: chr1-1789202-C-T. GRCh37 (hg19) VCF-style: chr1-1720641-C-T.
Other names: c.467G>A, p.Arg156His (NM_001282538.2); c.767G>A, p.Arg256His (NM_001282539.2); short protein forms R156H, R256H.
Identifiers: ClinVar variation 3239511 (VCV003239511.19), dbSNP rs11554059.